The following is an entry in ClinVar:

NM_000057.4(BLM):c.3760T>C (p.Ser1254Pro)

Gene: BLM (BLM RecQ like helicase; plus strand). Cytogenetic location: 15q26.1.
Variant type: single nucleotide variant.
Coding change: c.3760T>C on transcript NM_000057.4 (MANE Select); coding-DNA position 3760, T replaced by C.
Protein change: p.Ser1254Pro; replaces serine 1254 with proline.
Molecular consequence: missense variant.
Genome position (GRCh38, 1-based): chr15:90,809,145, T>C. VCF-style: chr15-90809145-T-C. GRCh37 (hg19) VCF-style: chr15-91352375-T-C.
Other names: c.3760T>C, p.Ser1254Pro (NM_001287246.2); c.3367T>C, p.Ser1123Pro (NM_001287247.2); c.2635T>C, p.Ser879Pro (NM_001287248.2); c.3760T>C (NM_000057.3); short protein forms S1123P, S1254P, S879P.
Identifiers: ClinVar variation 2954708 (VCV002954708.5), dbSNP rs781396294, ClinGen allele CA393849600.

ClinVar aggregate classification (germline): Uncertain significance. Review status: criteria provided, multiple submitters, no conflicts (2 of 4 stars). 3 submissions from 3 submitters: Uncertain significance (2). 1 of the submissions does not count toward it. Last evaluated 2025-03-16.

Conditions:
Hereditary cancer-predisposing syndrome. Also called: Tumor predisposition; Hereditary neoplastic syndrome; Neoplastic Syndromes, Hereditary; Hereditary Cancer Syndrome. Identifiers: Orphanet 140162, MedGen C0027672, MeSH D009386, MONDO:0015356.
Bloom syndrome (BLM). Also called: Bloom-Torre-Machacek syndrome. Identifiers: Orphanet 125, MedGen C0005859, MONDO:0008876, OMIM 210900.

Submissions (3):

Labcorp Genetics (formerly Invitae), Labcorp
Classification: Uncertain significance for Bloom syndrome. Last evaluated: 2025-03-16. Review status: criteria provided, single submitter. Criteria: Invitae Variant Classification Sherloc (09022015). Collection method: clinical testing. Allele origin: germline.
Comment: This sequence change replaces serine, which is neutral and polar, with proline, which is neutral and non-polar, at codon 1254 of the BLM protein (p.Ser1254Pro). This variant is not present in population databases (gnomAD no frequency). This variant has not been reported in the literature in individuals affected with BLM-related conditions. ClinVar contains an entry for this variant (Variation ID: 2954708). Invitae Evidence Modeling of protein sequence and biophysical properties (such as structural, functional, and spatial information, amino acid conservation, physicochemical variation, residue mobility, and thermodynamic stability) indicates that this missense variant is not expected to disrupt BLM protein function with a negative predictive value of 80%. In summary, the available evidence is currently insufficient to determine the role of this variant in disease. Therefore, it has been classified as a Variant of Uncertain Significance.

Ambry Genetics
Classification: Uncertain significance for Hereditary cancer-predisposing syndrome. Last evaluated: 2024-01-31. Review status: criteria provided, single submitter. Criteria: Ambry Variant Classification Scheme 2023. Collection method: clinical testing. Allele origin: germline.
Comment: The p.S1254P variant (also known as c.3760T>C), located in coding exon 19 of the BLM gene, results from a T to C substitution at nucleotide position 3760. The serine at codon 1254 is replaced by proline, an amino acid with similar properties. This amino acid position is conserved. In addition, the in silico prediction for this alteration is inconclusive. Based on the available evidence, the clinical significance of this alteration remains unclear.

Natera, Inc.
Classification: Uncertain significance for Bloom syndrome. Last evaluated: 2025-05-20. Review status: no assertion criteria provided. Collection method: clinical testing. Allele origin: germline. Not counted in ClinVar's aggregate classification.